The following is an entry in ClinVar:

NM_002615.7(SERPINF1):c.262GCCCTCTCG[1] (p.88ALS[1])

Genes: SERPINF1 (serpin family F member 1; plus strand), LOC130059892 (ATAC-STARR-seq lymphoblastoid active region 11457; plus strand). Cytogenetic location: 17p13.3.
Variant type: Microsatellite.
Coding change: c.262GCCCTCTCG[1] on transcript NM_002615.7 (MANE Select); one copy of the 9-base unit GCCCTCTCG starting at c.262; the reference has two copies in a row; one copy, 9 bases deleted.
Protein change: p.88ALS[1].
Molecular consequence: inframe deletion. On other transcripts: 5 prime UTR variant (1).
Genome position (GRCh38, 1-based): chr17:1,770,038-1,770,046, GCCCTCTCG deleted; deleting any 9 consecutive bases within chr17:1,770,027-1,770,046 gives the same sequence; the position shown is the placement nearest the transcript's 3' end. VCF-style (leftmost placement, unchanged base first): chr17-1770026-ACGGCCCTCT-A. GRCh37 (hg19) VCF-style: chr17-1673320-ACGGCCCTCT-A.
Other names: c.262GCCCTCTCG[1], p.88ALS[1] (NM_001329903.2); c.-300GCCCTCTCG[1] (NM_001329904.2); c.271_279delGCCCTCTCG (NM_002615.7).
Identifiers: ClinVar variation 4689724 (VCV004689724.2).

ClinVar aggregate classification (germline): Conflicting classifications of pathogenicity. Review status: criteria provided, conflicting classifications (1 of 4 stars). 2 submissions from 2 submitters: Likely pathogenic (1); Uncertain significance (1). Last evaluated 2026-01-26.

Submissions (2):

Women's Health and Genetics/Laboratory Corporation of America, LabCorp
Classification: Uncertain significance. Last evaluated: 2026-01-26. Review status: criteria provided, single submitter. Criteria: LabCorp Variant Classification Summary - May 2015. Collection method: clinical testing. Allele origin: germline.
Comment: Variant summary: SERPINF1 c.271_279delGCCCTCTCG (p.Ala91_Ser93del) results in an in-frame deletion that is predicted to remove three amino acids from the encoded protein. The variant allele was found at a frequency of 1.6e-05 in 251326 control chromosomes. The available data on variant occurrences in the general population are insufficient to allow any conclusion about variant significance. c.271_279delGCCCTCTCG has been observed in one individual affected with Osteogenesis Imperfecta (Li_2020). These data do not allow any conclusion about variant significance. To our knowledge, no experimental evidence demonstrating an impact on protein function has been reported. The following publication have been ascertained in the context of this evaluation (PMID: 33093841). No submitters have cited clinical-significance assessments for this variant to ClinVar. Based on the evidence outlined above, the variant was classified as uncertain significance.

Labcorp Genetics (formerly Invitae), Labcorp
Classification: Likely pathogenic. Last evaluated: 2026-01-22. Review status: criteria provided, single submitter. Criteria: Invitae Variant Classification Sherloc (09022015). Collection method: clinical testing. Allele origin: germline.
Comment: This variant, c.271_279del, results in the deletion of 3 amino acid(s) of the SERPINF1 protein (p.Ala91_Ser93del), but otherwise preserves the integrity of the reading frame. This variant is present in population databases (no rsID available, gnomAD 0.006%). This variant has been observed in individual(s) with osteogenesis imperfecta (PMID: 33093841; internal data). In at least one individual the data is consistent with being in trans (on the opposite chromosome) from a pathogenic variant. In summary, the currently available evidence indicates that the variant is pathogenic, but additional data are needed to prove that conclusively. Therefore, this variant has been classified as Likely Pathogenic.

Literature cited by the submitters: PubMed 33093841 (cited by Women's Health and Genetics/Laboratory Corporation of America, LabCorp and Labcorp Genetics (formerly Invitae), Labcorp).